The following is an entry in ClinVar:

NM_001105206.3(LAMA4):c.106A>G (p.Ile36Val)

Genes: LAMA4 (laminin subunit alpha 4; minus strand), LAMA4-AS1 (LAMA4 antisense RNA 1; plus strand). Cytogenetic location: 6q21.
Variant type: single nucleotide variant.
Coding change: c.106A>G on transcript NM_001105206.3 (MANE Select); coding-DNA position 106, A replaced by G.
Protein change: p.Ile36Val; replaces isoleucine 36 with valine.
Molecular consequence: missense variant.
Genome position (GRCh38, 1-based): chr6:112,254,045, T>C on the plus strand (A>G on the coding strand, the complement: LAMA4 is on the minus strand). VCF-style: chr6-112254045-T-C. GRCh37 (hg19) VCF-style: chr6-112575247-T-C.
Other names: c.106A>G, p.Ile36Val (NM_001105207.3, NM_001105208.3, NM_001105209.3 and 1 more transcripts); short protein forms I36V.
Identifiers: ClinVar variation 163800 (VCV000163800.10), dbSNP rs727503116, ClinGen allele CA213103.

ClinVar aggregate classification (germline): Conflicting classifications of pathogenicity. Review status: criteria provided, conflicting classifications (1 of 4 stars). 3 submissions from 3 submitters: Uncertain significance (1); Likely benign (2). Last evaluated 2026-06-02.

Conditions:
Cardiovascular phenotype. Identifiers: MedGen CN230736.

Allele frequency attached by ClinVar (database versions not stated): gnomAD exomes 0.00002; TOPMed 0.00002.
gnomAD v4.1: 25 of 1,602,212 alleles (0.0016%); highest among the groups gnomAD compares: Non-Finnish European, 0.002%; no homozygotes.

Submissions (3):

Ambry Genetics
Classification: Likely benign for Cardiovascular phenotype. Last evaluated: 2026-06-02. Review status: criteria provided, single submitter. Criteria: Ambry Variant Classification Scheme 2023. Collection method: clinical testing. Allele origin: germline.

GeneDx
Classification: Uncertain significance. Last evaluated: 2023-09-27. Review status: criteria provided, single submitter. Criteria: GeneDx Variant Classification Process June 2021. Collection method: clinical testing. Allele origin: germline. Affected: yes.
Comment: Not observed at significant frequency in large population cohorts (gnomAD); In silico analysis supports that this missense variant does not alter protein structure/function; Has not been previously published as pathogenic or benign to our knowledge

Laboratory for Molecular Medicine, Mass General Brigham Personalized Medicine
Classification: Likely benign. Last evaluated: 2013-05-03. Review status: criteria provided, single submitter. Criteria: LMM Criteria. Collection method: clinical testing. Allele origin: germline. Observed: 1 variant allele.
Comment: Ile36Val variant in exon 2 of LAMA4: This variant is not expected to have clinic al significance due to a lack of conservation across species, including mammals. Of note, kangaroo rat, rabbit, microbat, rock hyrax and platypus have a valine (Val) at this position despite high nearby amino acid conservation. In addition, computational analyses (AlignGVGD, PolyPhen2) do not suggest a high likelihood of impact to the protein.